The following is an entry in ClinVar:

NM_006005.3(WFS1):c.1675G>A (p.Ala559Thr)

Gene: WFS1 (wolframin ER transmembrane glycoprotein; plus strand). Cytogenetic location: 4p16.1.
Variant type: single nucleotide variant.
Coding change: c.1675G>A on transcript NM_006005.3 (MANE Select); coding-DNA position 1675, G replaced by A.
Protein change: p.Ala559Thr; replaces alanine 559 with threonine.
Molecular consequence: missense variant.
Genome position (GRCh38, 1-based): chr4:6,301,470, G>A. VCF-style: chr4-6301470-G-A. GRCh37 (hg19) VCF-style: chr4-6303197-G-A.
Other names: p.A559T:GCC>ACC; c.1675G>A, p.Ala559Thr (NM_001145853.1); short protein forms A559T.
Identifiers: ClinVar variation 95322 (VCV000095322.82), dbSNP rs55814513, ClinGen allele CA222901.

ClinVar aggregate classification (germline): Benign/Likely benign. Review status: criteria provided, multiple submitters, no conflicts (2 of 4 stars). 19 submissions from 18 submitters: Benign (7); Likely benign (8). 4 of the submissions do not count toward it. Last evaluated 2026-09-01.

Conditions:
WFS1-Related Spectrum Disorders.
Monogenic diabetes. Identifiers: Orphanet 183625, MedGen C3888631, MONDO:0015967.
Wolfram syndrome 1 (WFS1). Identifiers: Orphanet 3463, MedGen C4551693, MONDO:0009101, OMIM 222300.
Autosomal dominant nonsyndromic hearing loss 6 (LFSNHL). Also called: DEAFNESS, AUTOSOMAL DOMINANT 6; DEAFNESS, AUTOSOMAL DOMINANT 14; DEAFNESS, AUTOSOMAL DOMINANT 38; Autosomal dominant nonsyndromic deafness 6. Identifiers: Orphanet 90635, MedGen C1833021, MONDO:0010963, OMIM 600965.

Allele frequency attached by ClinVar (database versions not stated): 1000 Genomes Project 0.00120; 1000 Genomes Project 30x 0.00125; TOPMed 0.00309; ESP Exome Variant Server 0.00446; ExAC 0.00452; gnomAD exomes 0.00396 and 0.00506.
gnomAD v4.1: 7,829 of 1,612,772 alleles (0.49%); highest among the groups gnomAD compares: Non-Finnish European, 0.57%; 20 homozygotes.

Submissions (19):

CeGaT Center for Human Genetics Tuebingen
Classification: Likely benign. Last evaluated: 2026-09-01. Review status: criteria provided, single submitter. Criteria: CeGaT Center For Human Genetics Tuebingen Variant Classification Criteria Version 2. Collection method: clinical testing. Allele origin: germline. Affected: yes. Observed: 26 variant alleles.
Comment: WFS1: PM5, BS2

Labcorp Genetics (formerly Invitae), Labcorp
Classification: Benign. Last evaluated: 2026-01-26. Review status: criteria provided, single submitter. Criteria: Invitae Variant Classification Sherloc (09022015). Collection method: clinical testing. Allele origin: germline.

Mayo Clinic Laboratories, Mayo Clinic
Classification: Benign. Last evaluated: 2025-04-01. Review status: criteria provided, single submitter. Criteria: ACMG Guidelines, 2015. Collection method: clinical testing. Allele origin: germline. Observed: 7 variant alleles.
Comment: BA1, BS2

Blueprint Genetics
Classification: Likely benign. Last evaluated: 2024-11-22. Review status: criteria provided, single submitter. Criteria: ACMG Guidelines, 2015. Collection method: clinical testing. Allele origin: germline.

ARUP Laboratories, Molecular Genetics and Genomics, ARUP Laboratories
Classification: Benign. Last evaluated: 2024-11-13. Review status: criteria provided, single submitter. Criteria: ARUP Molecular Germline Variant Investigation Process 2024. Collection method: clinical testing. Allele origin: germline.

Personalized Diabetes Medicine Program, University of Maryland School of Medicine
Classification: Benign for Monogenic diabetes. Last evaluated: 2019-01-11. Review status: criteria provided, single submitter. Criteria: ACMG Guidelines, 2015. Collection method: research. Allele origin: unknown. Observed: 1 variant allele, 1 heterozygote.
Comment: ACMG criteria: BS2 (71 cases and 81 controls in an online resource) + BS1 (0.6 MAF in gnomAD European and ENF) = benign (REVEL 0.407 + PP3/3 predictors + BP4/6 predictors = conflicting evidence, not using)

Athena Diagnostics
Classification: Likely benign. Last evaluated: 2018-11-27. Review status: criteria provided, single submitter. Criteria: Athena Diagnostics Criteria. Collection method: clinical testing. Allele origin: germline.

Genetic Services Laboratory, University of Chicago
Classification: Likely benign. Last evaluated: 2018-08-06. Review status: criteria provided, single submitter. Criteria: ACMG Guidelines, 2015. Collection method: clinical testing. Allele origin: germline. Affected: no.

Illumina Laboratory Services, Illumina
Classification: Likely benign for WFS1-Related Spectrum Disorders. Last evaluated: 2017-04-27. Review status: criteria provided, single submitter. Criteria: ICSL Variant Classification Criteria 13 December 2019. Collection method: clinical testing. Allele origin: germline.
Comment: This variant was observed as part of a predisposition screen in an ostensibly healthy population. A literature search was performed for the gene, cDNA change, and amino acid change (where applicable). Publications were found based on this search. The evidence from the literature, in combination with allele frequency data from public databases where available, was sufficient to determine this variant is unlikely to cause disease. Therefore, this variant is classified as likely benign.

Illumina Laboratory Services, Illumina
Classification: Likely benign for Autosomal dominant nonsyndromic hearing loss 6. Last evaluated: 2017-04-27. Review status: criteria provided, single submitter. Criteria: ICSL Variant Classification Criteria 13 December 2019. Collection method: clinical testing. Allele origin: germline.
Comment: This variant was observed as part of a predisposition screen in an ostensibly healthy population. A literature search was performed for the gene, cDNA change, and amino acid change (where applicable). No publications were found based on this search. Allele frequency data from public databases allowed determination this variant is unlikely to cause disease. Therefore, this variant is classified as likely benign.

Laboratory for Molecular Medicine, Mass General Brigham Personalized Medicine
Classification: Benign. Last evaluated: 2016-06-09. Review status: criteria provided, single submitter. Criteria: LMM Criteria. Collection method: clinical testing. Allele origin: germline. Observed: 11 variant alleles.
Comment: p.Ala559Thr in Exon 08 of WFS1: This variant is not expected to have clinical si gnificance because it has been identified in 0.6% (416/66596) European chromosom es by the Exome Aggregation Consortium (ExAC; r s55814513).

GeneDx
Classification: Benign. Last evaluated: 2014-04-14. Review status: criteria provided, single submitter. Criteria: GeneDx Variant Classification (06012015). Collection method: clinical testing. Allele origin: germline. Affected: yes.
Comment: This variant is considered likely benign or benign based on one or more of the following criteria: it is a conservative change, it occurs at a poorly conserved position in the protein, it is predicted to be benign by multiple in silico algorithms, and/or has population frequency not consistent with disease.

Eurofins Ntd Llc (ga)
Classification: Benign. Last evaluated: 2013-11-20. Review status: criteria provided, single submitter. Criteria: EGL Classification Definitions 2015. Collection method: clinical testing. Allele origin: germline. Observed: 1 variant allele, 1 heterozygote.

Breakthrough Genomics
Classification: Likely benign. Review status: criteria provided, single submitter. Criteria: ACMG Guidelines, 2015. Collection method: not provided. Allele origin: germline. Inheritance: Autosomal recessive inheritance. Affected: yes.

Clinical Genomics, Uppaluri K&H Personalized Medicine Clinic
Classification: Likely benign for Wolfram syndrome 1. Review status: criteria provided, single submitter. Criteria: K & H Uppaluri Personalized Medicine Clinic Variant Classification & Assertion Criteria_Updated V.1. Collection method: research. Allele origin: unknown. Inheritance: Autosomal recessive inheritance.
Comment: Mutations in WFS1 gene are associated with Wolfram's syndrome, an autosomal recessive condition, which cause diabetes mellitus, diabetes insipidus, deafness and optic atrophy. rs55814513 variant is also seen in patients with Diabetes Mellitus. However, the role of this particular variant is yet to be ascertained.

Clinical Genetics DNA and cytogenetics Diagnostics Lab, Erasmus MC, Erasmus Medical Center
Classification: Likely benign. Review status: no assertion criteria provided. Collection method: clinical testing. Allele origin: germline. Affected: yes. Study: VKGL Data-share Consensus. Not counted in ClinVar's aggregate classification.

Clinical Genetics, Academic Medical Center
Classification: Likely benign. Review status: no assertion criteria provided. Collection method: clinical testing. Allele origin: germline. Affected: yes. Study: VKGL Data-share Consensus. Not counted in ClinVar's aggregate classification.

Joint Genome Diagnostic Labs from Nijmegen and Maastricht, Radboudumc and MUMC+
Classification: Likely benign. Review status: no assertion criteria provided. Collection method: clinical testing. Allele origin: germline. Affected: yes. Study: VKGL Data-share Consensus. Not counted in ClinVar's aggregate classification.

Laboratory of Diagnostic Genome Analysis, Leiden University Medical Center (LUMC)
Classification: Likely benign. Review status: no assertion criteria provided. Collection method: clinical testing. Allele origin: germline. Affected: yes. Study: VKGL Data-share Consensus. Not counted in ClinVar's aggregate classification.

Literature cited by the submitters: PubMed 10624825 (cited by Mayo Clinic Laboratories, Mayo Clinic and Illumina Laboratory Services, Illumina); PubMed 11244483 (cited by Mayo Clinic Laboratories, Mayo Clinic and Athena Diagnostics); PubMed 15277431 (cited by 3 submitters); PubMed 25133958 (cited by Mayo Clinic Laboratories, Mayo Clinic); PubMed 32179840 (cited by Mayo Clinic Laboratories, Mayo Clinic); PubMed 33057194 (cited by Mayo Clinic Laboratories, Mayo Clinic); PubMed 35982159 (cited by Mayo Clinic Laboratories, Mayo Clinic); PubMed 37277527 (cited by Mayo Clinic Laboratories, Mayo Clinic); PubMed 15852062 (cited by Athena Diagnostics); PubMed 11694551 (cited by Athena Diagnostics and Illumina Laboratory Services, Illumina); PubMed 11920861 (cited by Athena Diagnostics); PubMed 23595122 (cited by Athena Diagnostics); PubMed 15008830 (cited by Athena Diagnostics); PubMed 12565131 (cited by Athena Diagnostics and Illumina Laboratory Services, Illumina); PubMed 12782971 (cited by Illumina Laboratory Services, Illumina); PubMed 20028947 (cited by Clinical Genomics, Uppaluri K&H Personalized Medicine Clinic).